The following is an entry in ClinVar:

ClinVar aggregate classification (germline): Uncertain significance (1 of 4 stars; one submission).

Conditions:
Early-infantile DEE. Also called: Early infantile epileptic encephalopathy; Early infantile epileptic encephalopathy with suppression bursts; Ohtahara syndrome. Identifiers: Orphanet 1934, MedGen C0393706, MONDO:0800491.

Allele frequency attached by ClinVar (database versions not stated): gnomAD exomes below 0.00001; TOPMed below 0.00001.
gnomAD v4.1: 1 of 1,596,438 alleles (0.000063%); highest among the groups gnomAD compares: Non-Finnish European, 0.000085%; no homozygotes.

Submission:

Labcorp Genetics (formerly Invitae), Labcorp
Classification: Uncertain significance for Early-infantile DEE. Last evaluated: 2022-06-22. Review status: criteria provided, single submitter. Criteria: Invitae Variant Classification Sherloc (09022015). Collection method: clinical testing. Allele origin: germline.
Comment: In summary, the available evidence is currently insufficient to determine the role of this variant in disease. Therefore, it has been classified as a Variant of Uncertain Significance. Algorithms developed to predict the effect of missense changes on protein structure and function are either unavailable or do not agree on the potential impact of this missense change (SIFT: "Deleterious"; PolyPhen-2: "Benign"; Align-GVGD: "Class C0"). This variant has not been reported in the literature in individuals affected with SCN8A-related conditions. This variant is not present in population databases (gnomAD no frequency). This sequence change replaces alanine, which is neutral and non-polar, with aspartic acid, which is acidic and polar, at codon 528 of the SCN8A protein (p.Ala528Asp).

NM_001330260.2(SCN8A):c.1583C>A (p.Ala528Asp)

Gene: SCN8A (sodium voltage-gated channel alpha subunit 8; plus strand). Cytogenetic location: 12q13.13.
Variant type: single nucleotide variant.
Coding change: c.1583C>A on transcript NM_001330260.2 (MANE Select); coding-DNA position 1583, C replaced by A.
Protein change: p.Ala528Asp; replaces alanine 528 with aspartic acid.
Molecular consequence: missense variant.
Genome position (GRCh38, 1-based): chr12:51,706,663, C>A. VCF-style: chr12-51706663-C-A. GRCh37 (hg19) VCF-style: chr12-52100447-C-A.
Other names: c.1583C>A, p.Ala528Asp (NM_001177984.3, NM_001369788.1, NM_014191.4); short protein forms A528D.
Identifiers: ClinVar variation 1966676 (VCV001966676.5), dbSNP rs1053180463, ClinGen allele CA385229132.